The following is an entry in ClinVar:

ClinVar aggregate classification (germline): Uncertain significance (1 of 4 stars; one submission).

Submission:

GeneDx
Classification: Uncertain significance. Last evaluated: 2026-03-26. Review status: criteria provided, single submitter. Criteria: GeneDx Variant Classification Process June 2021. Collection method: clinical testing. Allele origin: germline.
Comment: In-frame deletion of 2 amino acid(s) and insertion of 4 different amino acid(s) in a non-repeat region; In silico analysis supports a deleterious effect on protein structure/function; Has not been previously published as pathogenic or benign to our knowledge

NM_001287491.2(TET3):c.3981_3983delinsACTGAGCCC (p.Ser1327_Leu1328delinsArgLeuSerPro)

Gene: TET3 (tet methylcytosine dioxygenase 3; plus strand). Cytogenetic location: 2p13.1.
Variant type: Indel.
Coding change: c.3981_3983delinsACTGAGCCC on transcript NM_001287491.2 (MANE Select); coding-DNA positions 3981 to 3983, CCT replaced by ACTGAGCCC.
Protein change: p.Ser1327_Leu1328delinsArgLeuSerPro.
Molecular consequence: inframe indel.
Genome position (GRCh38, 1-based): chr2:74,100,769-74,100,771, CCT replaced by ACTGAGCCC. VCF-style: chr2-74100769-CCT-ACTGAGCCC. GRCh37 (hg19) VCF-style: chr2-74327896-CCT-ACTGAGCCC.
Other names: c.3702_3704delinsACTGAGCCC, p.Ser1234_Leu1235delinsArgLeuSerPro (NM_001366022.1).
Identifiers: ClinVar variation 5017540 (VCV005017540.1).